The following is an entry in ClinVar:

NM_172107.4(KCNQ2):c.871A>G (p.Arg291Gly)

Gene: KCNQ2 (potassium voltage-gated channel subfamily Q member 2; minus strand). Cytogenetic location: 20q13.33.
Variant type: single nucleotide variant.
Coding change: c.871A>G on transcript NM_172107.4 (MANE Select); coding-DNA position 871, A replaced by G.
Protein change: p.Arg291Gly; replaces arginine 291 with glycine.
Molecular consequence: missense variant.
Genome position (GRCh38, 1-based): chr20:63,439,654, T>C on the plus strand (A>G on the coding strand, the complement: KCNQ2 is on the minus strand). VCF-style: chr20-63439654-T-C. GRCh37 (hg19) VCF-style: chr20-62071007-T-C.
Other names: c.871A>G, p.Arg291Gly (NM_001382235.1, NM_004518.6, NM_172106.3 and 2 more transcripts); short protein forms R291G.
Identifiers: ClinVar variation 2573145 (VCV002573145.3), dbSNP rs2516419580, ClinGen allele CA409652607.
Genomic context (GRCh38, chr20:63,439,654, plus strand): 5'-TTACTGCAGGCAGCGCGAAGAAGGAGACACCGATGAGGGTGAAGGTTGCCGCAAGGAGCC[T>C]GCCGTTCCAGGTCTGGGGGTACTTGTCCCCGTAGCCAATGGTGGTCAGCGTGATCTGTGG-3'
Protein context (NP_742105.1, residues 281-301): GDKYPQTWNG[Arg291Gly]LLAATFTLIG

Conditions:
Complex neurodevelopmental disorder. Identifiers: Orphanet 528084, MedGen C5568766, MONDO:0100038.

Submissions (6):

Channelopathy-Associated Epilepsy Research Center
No classification provided (evidence only). Condition: Complex neurodevelopmental disorder. Review status: no classification provided. Collection method: literature only. Allele origin: not applicable. Functional consequence: Severe decrease in peak current, Mild slowing of activation, Severe depolarizing shift of voltage dependence of activation.
ClinVar note: "not provided" was previously submitted as the classification for the variant. However, the classification appeared to be based only on an observation of functional data so it was converted to no classification on 2025-07-30.

Channelopathy-Associated Epilepsy Research Center
No classification provided (evidence only). Review status: no classification provided. Collection method: in vitro. Allele origin: not applicable. Functional consequence: Decrease in peak current. Not counted in ClinVar's aggregate classification.

Channelopathy-Associated Epilepsy Research Center
No classification provided (evidence only). Review status: no classification provided. Collection method: in vitro. Allele origin: not applicable. Functional consequence: Decrease in peak current. Not counted in ClinVar's aggregate classification.

Channelopathy-Associated Epilepsy Research Center
No classification provided (evidence only). Review status: no classification provided. Collection method: in vitro. Allele origin: not applicable. Functional consequence: Depolarizing shift of voltage dependence of activation. Not counted in ClinVar's aggregate classification.

Channelopathy-Associated Epilepsy Research Center
No classification provided (evidence only). Review status: no classification provided. Collection method: in vitro. Allele origin: not applicable. Functional consequence: Increase in slope of activation. Not counted in ClinVar's aggregate classification.

Channelopathy-Associated Epilepsy Research Center
No classification provided (evidence only). Review status: no classification provided. Collection method: in vitro. Allele origin: not applicable. Functional consequence: Normal rate of activation. Not counted in ClinVar's aggregate classification.

Literature cited by the submitters: PubMed 35104249.